The following is an entry in ClinVar:

ClinVar aggregate classification (germline): Uncertain significance (1 of 4 stars; one submission).

Conditions:
Hereditary spastic paraplegia. Also called: Familial spastic paraparesis. Identifiers: Orphanet 685, MedGen C0037773, MONDO:0019064. Disease mechanism: loss of function.

Submission:

Labcorp Genetics (formerly Invitae), Labcorp
Classification: Uncertain significance for Hereditary spastic paraplegia. Last evaluated: 2022-03-18. Review status: criteria provided, single submitter. Criteria: Invitae Variant Classification Sherloc (09022015). Collection method: clinical testing. Allele origin: germline.
Comment: This sequence change replaces alanine, which is neutral and non-polar, with proline, which is neutral and non-polar, at codon 948 of the USP8 protein (p.Ala948Pro). This variant is not present in population databases (gnomAD no frequency). This variant has not been reported in the literature in individuals affected with USP8-related conditions. ClinVar contains an entry for this variant (Variation ID: 938030). Algorithms developed to predict the effect of missense changes on protein structure and function are either unavailable or do not agree on the potential impact of this missense change (SIFT: "Tolerated"; PolyPhen-2: "Probably Damaging"; Align-GVGD: "Class C0"). In summary, the available evidence is currently insufficient to determine the role of this variant in disease. Therefore, it has been classified as a Variant of Uncertain Significance.

NM_005154.5(USP8):c.2842G>C (p.Ala948Pro)

Genes: USP50 (ubiquitin specific peptidase 50; minus strand), USP8 (ubiquitin specific peptidase 8; plus strand). Cytogenetic location: 15q21.2.
Variant type: single nucleotide variant.
Coding change: c.2842G>C on transcript NM_005154.5 (MANE Select); coding-DNA position 2842, G replaced by C.
Protein change: p.Ala948Pro; replaces alanine 948 with proline.
Molecular consequence: missense variant.
Genome position (GRCh38, 1-based): chr15:50,496,031, G>C. VCF-style: chr15-50496031-G-C. GRCh37 (hg19) VCF-style: chr15-50788228-G-C.
Other names: c.2842G>C, p.Ala948Pro (NM_001128610.3); c.2524G>C, p.Ala842Pro (NM_001283049.2); short protein forms A842P, A948P.
Identifiers: ClinVar variation 938030 (VCV000938030.9), dbSNP rs2052386755, ClinGen allele CA392403037.